The following is an entry in ClinVar:

NM_000039.3(APOA1):c.418C>T (p.Arg140Cys)

Genes: APOA1 (apolipoprotein A1; minus strand), APOA1-AS (APOA1 antisense RNA; plus strand). Cytogenetic location: 11q23.3.
Variant type: single nucleotide variant.
Coding change: c.418C>T on transcript NM_000039.3 (MANE Select); coding-DNA position 418, C replaced by T.
Protein change: p.Arg140Cys; replaces arginine 140 with cysteine.
Molecular consequence: missense variant. On other transcripts: non-coding transcript variant (1).
Genome position (GRCh38, 1-based): chr11:116,836,194, G>A on the plus strand (C>T on the coding strand, the complement: APOA1 is on the minus strand). VCF-style: chr11-116836194-G-A. GRCh37 (hg19) VCF-style: chr11-116706910-G-A.
Other names: c.418C>T, p.Arg140Cys (NM_001318017.2, NM_001318018.2, NM_001425090.1 and 1 more transcripts); c.91C>T, p.Arg31Cys (NM_001318021.2, NM_001425091.1, NM_001425092.1); short protein forms R140C, R31C.
Identifiers: ClinVar variation 3608735 (VCV003608735.2).

ClinVar aggregate classification (germline): Uncertain significance (1 of 4 stars; one submission).

gnomAD v4.1: 2 of 1,613,752 alleles (0.00012%); highest among the groups gnomAD compares: Non-Finnish European, 0.000085%; no homozygotes.

Submission:

Labcorp Genetics (formerly Invitae), Labcorp
Classification: Uncertain significance. Last evaluated: 2024-06-24. Review status: criteria provided, single submitter. Criteria: Invitae Variant Classification Sherloc (09022015). Collection method: clinical testing. Allele origin: germline.
Comment: This sequence change replaces arginine, which is basic and polar, with cysteine, which is neutral and slightly polar, at codon 140 of the APOA1 protein (p.Arg140Cys). This variant is present in population databases (rs760468591, gnomAD 0.003%). This variant has not been reported in the literature in individuals affected with APOA1-related conditions. Advanced modeling of protein sequence and biophysical properties (such as structural, functional, and spatial information, amino acid conservation, physicochemical variation, residue mobility, and thermodynamic stability) performed at Invitae indicates that this missense variant is expected to disrupt APOA1 protein function with a positive predictive value of 80%. In summary, the available evidence is currently insufficient to determine the role of this variant in disease. Therefore, it has been classified as a Variant of Uncertain Significance.